The following is an entry in ClinVar:

NM_003060.4(SLC22A5):c.1411C>T (p.Arg471Cys)

Gene: SLC22A5 (solute carrier family 22 member 5; plus strand). Cytogenetic location: 5q31.1.
Variant type: single nucleotide variant.
Coding change: c.1411C>T on transcript NM_003060.4 (MANE Select); coding-DNA position 1411, C replaced by T.
Protein change: p.Arg471Cys; replaces arginine 471 with cysteine.
Molecular consequence: missense variant.
Genome position (GRCh38, 1-based): chr5:132,392,576, C>T. VCF-style: chr5-132392576-C-T. GRCh37 (hg19) VCF-style: chr5-131728268-C-T.
Other names: p.Arg471Cys; c.1483C>T, p.Arg495Cys (NM_001308122.2); short protein forms R471C, R495C.
Identifiers: ClinVar variation 460398 (VCV000460398.29), dbSNP rs749282641, ClinGen allele CA3404150.
Genomic context (GRCh38, chr5:132,392,576, plus strand): 5'-GCCGAGCTGTATCCCACAGTGGTGAGAAACATGGGTGTGGGAGTCAGCTCCACAGCATCC[C>T]GCCTGGGCAGCATCCTGTCTCCCTACTTCGTTTACCTTGGTAAGTCCCATGAGCCAAGGG-3'
Protein context (NP_003051.1, residues 461-481): MGVGVSSTAS[Arg471Cys]LGSILSPYFV

ClinVar aggregate classification (germline): Pathogenic/Likely pathogenic. Review status: criteria provided, multiple submitters, no conflicts (2 of 4 stars). 8 submissions from 8 submitters: Pathogenic (5); Likely pathogenic (3). Last evaluated 2025-12-01.

Conditions:
SLC22A5-related disorder. Also called: SLC22A5-related condition.
Carnitine deficiency. Identifiers: MedGen C1142132.
Renal carnitine transport defect (CDSP). Also called: CARNITINE DEFICIENCY, SYSTEMIC, DUE TO DEFECT IN RENAL REABSORPTION OF CARNITINE; CARNITINE TRANSPORTER, PLASMA-MEMBRANE, DEFICIENCY OF; CARNITINE UPTAKE DEFECT; Systemic primary carnitine deficiency disease; Primary carnitine deficiency; Systemic primary carnitine deficiency. Identifiers: Orphanet 158, MedGen C0342788, MONDO:0008919, OMIM 212140.

Allele frequency attached by ClinVar (database versions not stated): gnomAD exomes below 0.00001 and 0.00001; ExAC 0.00001.
gnomAD v4.1: 3 of 1,614,114 alleles (0.00019%); highest among the groups gnomAD compares: Admixed American, 0.0017%; no homozygotes.

Submissions (8):

Labcorp Genetics (formerly Invitae), Labcorp
Classification: Pathogenic for Renal carnitine transport defect. Last evaluated: 2025-12-01. Review status: criteria provided, single submitter. Criteria: Invitae Variant Classification Sherloc (09022015). Collection method: clinical testing. Allele origin: germline.
Comment: This sequence change replaces arginine, which is basic and polar, with cysteine, which is neutral and slightly polar, at codon 471 of the SLC22A5 protein (p.Arg471Cys). This variant is present in population databases (rs749282641, gnomAD 0.007%). This missense change has been observed in individual(s) with primary systemic carnitine deficiency and an associated short QT syndrome, and carnitine update defect (PMID: 20074989, 26190315). In at least one individual the data is consistent with being in trans (on the opposite chromosome) from a pathogenic variant. ClinVar contains an entry for this variant (Variation ID: 460398). Invitae Evidence Modeling of protein sequence and biophysical properties (such as structural, functional, and spatial information, amino acid conservation, physicochemical variation, residue mobility, and thermodynamic stability) indicates that this missense variant is expected to disrupt SLC22A5 protein function with a positive predictive value of 95%. This variant disrupts the p.Arg471 amino acid residue in SLC22A5. Other variant(s) that disrupt this residue have been determined to be pathogenic (PMID: 14605509, 16652335, 25132046; internal data). This suggests that this residue is clinically significant, and that variants that disrupt this residue are likely to be disease-causing. For these reasons, this variant has been classified as Pathogenic.

Natera, Inc.
Classification: Pathogenic for Carnitine deficiency. Last evaluated: 2025-09-07. Review status: criteria provided, single submitter. Criteria: Natera Variant Classification Schema (03/2026). Collection method: clinical testing. Allele origin: germline.
Comment: The c.1411C>T variant in SLC22A5 is a missense variant predicted to cause substitution of arginine to cysteine at amino acid 471. This variant is rare in the general population with a frequency below the threshold expected for the associated phenotype(s). This variant has been observed in one or more individuals affected with the associated recessive disease, as either homozygous or compound heterozygous with a second variant (PMID: 20074989, 26190315, 33560599). Given the available evidence, this variant is classified as Pathogenic.

GeneDx
Classification: Pathogenic. Last evaluated: 2024-12-17. Review status: criteria provided, single submitter. Criteria: GeneDx Variant Classification Process June 2021. Collection method: clinical testing. Allele origin: germline. Affected: yes.
Comment: Published functional studies found this variant is associated with significantly impaired carnitine transport (PMID: 36343260); Not observed at significant frequency in large population cohorts (gnomAD); In silico analysis supports that this missense variant has a deleterious effect on protein structure/function; This variant is associated with the following publications: (PMID: 23520115, 26828774, 29132460, 20074989, 26190315, 38187300, 35820418, 33560599, 39201429, 37658577, 34394177, 36343260)

Fulgent Genetics
Classification: Pathogenic for Renal carnitine transport defect. Last evaluated: 2024-05-20. Review status: criteria provided, single submitter. Criteria: ACMG Guidelines, 2015. Collection method: clinical testing. Allele origin: germline.

Women's Health and Genetics/Laboratory Corporation of America, LabCorp
Classification: Pathogenic for Renal carnitine transport defect. Last evaluated: 2023-06-13. Review status: criteria provided, single submitter. Criteria: LabCorp Variant Classification Summary - May 2015. Collection method: clinical testing. Allele origin: germline.
Comment: Variant summary: SLC22A5 c.1411C>T (p.Arg471Cys) results in a non-conservative amino acid change located in the Major facilitator superfamily domain (IPR020846) of the encoded protein sequence. Five of five in-silico tools predict a damaging effect of the variant on protein function. The variant allele was found at a frequency of 8e-06 in 251428 control chromosomes. c.1411C>T has been reported in the literature in individuals affected with Systemic Primary Carnitine Deficiency (Example: Chen_2013, Chen_2021, Lee_2010, Roussel_2016, Tan_2021). These data indicate that the variant is likely to be associated with disease. Other variants affecting the same amino acid have been classified as pathogenic/likely pathogenic in ClinVar (p.Arg471Pro, p.Arg471Ser, p.Arg471His), this data suggests a critical role for this amino acid in disease. To our knowledge, no experimental evidence demonstrating an impact on protein function has been reported. The following publications have been ascertained in the context of this evaluation (PMID: 23520115, 33560599, 36343260, 20074989, 26190315, 34394177). Five clinical diagnostic laboratories have submitted clinical-significance assessments for this variant to ClinVar after 2014 and all laboratories classified the variant as pathogenic/likely pathogenic. Based on the evidence outlined above, the variant was classified as pathogenic.

Giacomini Lab, University of California, San Francisco
Classification: Likely pathogenic for Renal carnitine transport defect. Last evaluated: 2022-10-03. Review status: criteria provided, single submitter. Criteria: ACMG Guidelines, 2015. Collection method: research, in vitro. Allele origin: germline, not applicable.

Blueprint Genetics
Classification: Likely pathogenic for SLC22A5-related disorders. Last evaluated: 2022-05-11. Review status: criteria provided, single submitter. Criteria: ACMG Guidelines, 2015. Collection method: clinical testing. Allele origin: germline. Affected: yes. Observed: 1 variant allele.

Genome-Nilou Lab
Classification: Likely pathogenic for Renal carnitine transport defect. Last evaluated: 2021-07-15. Review status: criteria provided, single submitter. Criteria: ACMG Guidelines, 2015. Collection method: clinical testing. Allele origin: germline. Affected: no.

Literature cited by the submitters: PubMed 20074989 (cited by 3 submitters); PubMed 26190315 (cited by 3 submitters); PubMed 14605509 (cited by Labcorp Genetics (formerly Invitae), Labcorp); PubMed 16652335 (cited by Labcorp Genetics (formerly Invitae), Labcorp); PubMed 25132046 (cited by Labcorp Genetics (formerly Invitae), Labcorp); PubMed 33560599 (cited by Natera, Inc. and Women's Health and Genetics/Laboratory Corporation of America, LabCorp); PubMed 23520115 (cited by Women's Health and Genetics/Laboratory Corporation of America, LabCorp); PubMed 34394177 (cited by Women's Health and Genetics/Laboratory Corporation of America, LabCorp); PubMed 36343260 (cited by Women's Health and Genetics/Laboratory Corporation of America, LabCorp).